The following is an entry in ClinVar:

NM_003072.5(SMARCA4):c.919C>T (p.Pro307Ser)

Gene: SMARCA4 (SWI/SNF related BAF chromatin remodeling complex subunit ATPase 4; plus strand). Cytogenetic location: 19p13.2.
Variant type: single nucleotide variant.
Coding change: c.919C>T on transcript NM_003072.5 (MANE Select); coding-DNA position 919, C replaced by T.
Protein change: p.Pro307Ser; replaces proline 307 with serine.
Molecular consequence: missense variant. On other transcripts: non-coding transcript variant (1).
Genome position (GRCh38, 1-based): chr19:10,987,725, C>T. VCF-style: chr19-10987725-C-T. GRCh37 (hg19) VCF-style: chr19-11098401-C-T.
Other names: c.919C>T, p.Pro307Ser (NM_001128844.3, NM_001128845.2, NM_001128846.2 and 6 more transcripts); short protein forms P307S.
Identifiers: ClinVar variation 1766141 (VCV001766141.3), dbSNP rs2145815694, ClinGen allele CA404058460.

ClinVar aggregate classification (germline): Uncertain significance (1 of 4 stars; one submission).

Conditions:
Hereditary cancer-predisposing syndrome. Also called: Tumor predisposition; Hereditary Cancer Syndrome; Hereditary neoplastic syndrome; Neoplastic Syndromes, Hereditary. Identifiers: Orphanet 140162, MedGen C0027672, MeSH D009386, MONDO:0015356.

Submission:

Ambry Genetics
Classification: Uncertain significance for Hereditary cancer-predisposing syndrome. Last evaluated: 2025-12-15. Review status: criteria provided, single submitter. Criteria: Ambry Variant Classification Scheme 2023. Collection method: clinical testing. Allele origin: germline.
Comment: The p.P307S variant (also known as c.919C>T), located in coding exon 5 of the SMARCA4 gene, results from a C to T substitution at nucleotide position 919. The proline at codon 307 is replaced by serine, an amino acid with similar properties. Missense and in-frame variants in SMARCA4 are known to cause neurodevelopmental disorders; however, such associations with rhabdoid tumor predisposition syndrome including small cell carcinoma of the ovary-hypercalcemic type (SCCOHT) are exceedingly rare (Kosho T et al. Am J Med Genet C Semin Med Genet. 2014 Sep;166C(3):262-75; Jelinic P et al. Nat Genet. 2014 May;46(5):424-6). This amino acid position is highly conserved in available vertebrate species. In addition, the in silico prediction for this alteration is inconclusive. Based on the supporting evidence, the association of this alteration with Coffin-Siris syndrome is unknown; however, the association of this alteration with rhabdoid tumor predisposition syndrome is unlikely.